The following is an entry in ClinVar:

NM_006348.5(COG5):c.2101G>A (p.Ala701Thr)

Gene: COG5 (component of oligomeric golgi complex 5; minus strand). Cytogenetic location: 7q22.3.
Variant type: single nucleotide variant.
Coding change: c.2101G>A on transcript NM_006348.5 (MANE Select); coding-DNA position 2101, G replaced by A.
Protein change: p.Ala701Thr; replaces alanine 701 with threonine.
Molecular consequence: missense variant. On other transcripts: intron variant (1).
Genome position (GRCh38, 1-based): chr7:107,230,682, C>T on the plus strand (G>A on the coding strand, the complement: COG5 is on the minus strand). VCF-style: chr7-107230682-C-T. GRCh37 (hg19) VCF-style: chr7-106871127-C-T.
Other names: c.2101G>A, p.Ala701Thr (NM_001161520.2, NM_001379513.1); c.1939G>A, p.Ala647Thr (NM_001379511.1); c.1927G>A, p.Ala643Thr (NM_001379512.1); c.1531G>A, p.Ala511Thr (NM_001379515.1); c.1387G>A, p.Ala463Thr (NM_001379516.1); c.2038G>A, p.Ala680Thr (NM_181733.4); c.1853+17714G>A (NM_001379514.1); short protein forms A463T, A647T, A680T, A643T, A701T, A511T.
Identifiers: ClinVar variation 1486590 (VCV001486590.6), dbSNP rs2116403733, ClinGen allele CA368939232.

ClinVar aggregate classification (germline): Uncertain significance (1 of 4 stars; one submission).

Conditions:
COG5-congenital disorder of glycosylation. Also called: CONGENITAL DISORDER OF GLYCOSYLATION, TYPE IIi; CDG IIi; COG5-CDG. Identifiers: Orphanet 263487, MedGen C3150876, MONDO:0013325, OMIM 613612.

Submission:

Labcorp Genetics (formerly Invitae), Labcorp
Classification: Uncertain significance for COG5-congenital disorder of glycosylation. Last evaluated: 2022-08-09. Review status: criteria provided, single submitter. Criteria: Invitae Variant Classification Sherloc (09022015). Collection method: clinical testing. Allele origin: germline.
Comment: Algorithms developed to predict the effect of missense changes on protein structure and function are either unavailable or do not agree on the potential impact of this missense change (SIFT: "Deleterious"; PolyPhen-2: "Possibly Damaging"; Align-GVGD: "Class C0"). In summary, the available evidence is currently insufficient to determine the role of this variant in disease. Therefore, it has been classified as a Variant of Uncertain Significance. This variant has not been reported in the literature in individuals affected with COG5-related conditions. ClinVar contains an entry for this variant (Variation ID: 1486590). This sequence change replaces alanine, which is neutral and non-polar, with threonine, which is neutral and polar, at codon 732 of the COG5 protein (p.Ala732Thr). This variant is not present in population databases (gnomAD no frequency).